The following is an entry in ClinVar:

NM_001130009.3(GEN1):c.757C>G (p.Leu253Val)

Gene: GEN1 (GEN1 structure-specific endonuclease; plus strand). Cytogenetic location: 2p24.2.
Variant type: single nucleotide variant.
Coding change: c.757C>G on transcript NM_001130009.3 (MANE Select); coding-DNA position 757, C replaced by G.
Protein change: p.Leu253Val; replaces leucine 253 with valine.
Molecular consequence: missense variant.
Genome position (GRCh38, 1-based): chr2:17,771,242, C>G. VCF-style: chr2-17771242-C-G. GRCh37 (hg19) VCF-style: chr2-17952509-C-G.
Other names: c.757C>G, p.Leu253Val (NM_182625.5); short protein forms L253V.
Identifiers: ClinVar variation 4857959 (VCV004857959.1).

ClinVar aggregate classification (germline): Uncertain significance (1 of 4 stars; one submission).

Submission:

Ambry Genetics
Classification: Uncertain significance. Last evaluated: 2026-04-19. Review status: criteria provided, single submitter. Criteria: Ambry Variant Classification Scheme 2023. Collection method: clinical testing. Allele origin: germline.
Comment: The p.L253V variant (also known as c.757C>G), located in coding exon 6 of the GEN1 gene, results from a C to G substitution at nucleotide position 757. The leucine at codon 253 is replaced by valine, an amino acid with highly similar properties. This amino acid position is conserved. In addition, this alteration is predicted to be tolerated by in silico analysis. Based on the available evidence, the clinical significance of this variant remains unclear.